The following is an entry in ClinVar:

ClinVar aggregate classification (germline): Uncertain significance (1 of 4 stars; one submission).

Submission:

GeneDx
Classification: Uncertain significance. Last evaluated: 2024-03-05. Review status: criteria provided, single submitter. Criteria: GeneDx Variant Classification Process June 2021. Collection method: clinical testing. Allele origin: germline. Affected: yes.
Comment: Not observed at significant frequency in large population cohorts (gnomAD); In silico analysis supports that this missense variant has a deleterious effect on protein structure/function; Has not been previously published as pathogenic or benign to our knowledge

NM_001320.7(CSNK2B):c.365T>C (p.Ile122Thr)

Gene: CSNK2B (casein kinase 2 beta; plus strand). Cytogenetic location: 6p21.33.
Variant type: single nucleotide variant.
Coding change: c.365T>C on transcript NM_001320.7 (MANE Select); coding-DNA position 365, T replaced by C.
Protein change: p.Ile122Thr; replaces isoleucine 122 with threonine.
Molecular consequence: missense variant.
Genome position (GRCh38, 1-based): chr6:31,669,170, T>C. VCF-style: chr6-31669170-T-C. GRCh37 (hg19) VCF-style: chr6-31636947-T-C.
Other names: c.365T>C, p.Ile122Thr (NM_001282385.2); short protein forms I122T.
Identifiers: ClinVar variation 1806726 (VCV001806726.2), dbSNP rs2536966348, ClinGen allele CA363475422.